The following is an entry in ClinVar:

NM_020717.5(SHROOM4):c.1628C>T (p.Thr543Ile)

Gene: SHROOM4 (shroom family member 4; minus strand). Cytogenetic location: Xp11.22.
Variant type: single nucleotide variant.
Coding change: c.1628C>T on transcript NM_020717.5 (MANE Select); coding-DNA position 1628, C replaced by T.
Protein change: p.Thr543Ile; replaces threonine 543 with isoleucine.
Molecular consequence: missense variant. On other transcripts: non-coding transcript variant (4).
Genome position (GRCh38, 1-based): chrX:50,634,445, G>A on the plus strand (C>T on the coding strand, the complement: SHROOM4 is on the minus strand). VCF-style: chrX-50634445-G-A. GRCh37 (hg19) VCF-style: chrX-50377445-G-A.
Other names: short protein forms T543I.
Identifiers: ClinVar variation 2627173 (VCV002627173.1), dbSNP rs782245465, ClinGen allele CA10416226.

ClinVar aggregate classification (germline): Uncertain significance (1 of 4 stars; one submission).

Allele frequency attached by ClinVar (database versions not stated): gnomAD exomes below 0.00001; ExAC 0.00001.
gnomAD v4.1: 1 of 1,211,699 alleles (0.000083%); highest among the groups gnomAD compares: Non-Finnish European, 0.00011%; no homozygotes.

Submission:

Women's Health and Genetics/Laboratory Corporation of America, LabCorp
Classification: Uncertain significance. Last evaluated: 2023-09-08. Review status: criteria provided, single submitter. Criteria: LabCorp Variant Classification Summary - May 2015. Collection method: clinical testing. Allele origin: germline.
Comment: Variant summary: SHROOM4 c.1628C>T (p.Thr543Ile) results in a non-conservative amino acid change in the encoded protein sequence. Four of five in-silico tools predict a benign effect of the variant on protein function. The variant was absent in 182358 control chromosomes (gnomAD). The available data on variant occurrences in the general population are insufficient to allow any conclusion about variant significance. To our knowledge, no occurrence of c.1628C>T in individuals affected with X-Linked Intellectual Disability, Stocco Dos Santos Type and no experimental evidence demonstrating its impact on protein function have been reported. No submitters have cited clinical-significance assessments for this variant to ClinVar after 2014. Based on the evidence outlined above, the variant was classified as uncertain significance.